The following is an entry in ClinVar:

NM_000130.5(F5):c.1763-9C>T

Gene: F5 (coagulation factor V; minus strand). Cytogenetic location: 1q24.2.
Variant type: single nucleotide variant.
Coding change: c.1763-9C>T on transcript NM_000130.5 (MANE Select); 9 bases into the intron before coding-DNA position 1763, C replaced by T.
Molecular consequence: intron variant.
Genome position (GRCh38, 1-based): chr1:169,544,517, G>A on the plus strand (C>T on the coding strand, the complement: F5 is on the minus strand). VCF-style: chr1-169544517-G-A. GRCh37 (hg19) VCF-style: chr1-169513755-G-A.
Other names: c.1763-9C>T (NM_000130.4).
Identifiers: ClinVar variation 2886964 (VCV002886964.4), dbSNP rs564182832, ClinGen allele CA1234234.

ClinVar aggregate classification (germline): Likely benign. Review status: criteria provided, multiple submitters, no conflicts (2 of 4 stars). 2 submissions from 2 submitters: Likely benign (2). Last evaluated 2026-09-01.

Conditions:
Congenital factor V deficiency. Also called: LABILE FACTOR DEFICIENCY; OWREN PARAHEMOPHILIA; PARAHEMOPHILIA; Hereditary factor V deficiency disease. Identifiers: Orphanet 326, MedGen C0015499, MONDO:0009210, OMIM 227400.
F5-related disorder. Also called: F5-related condition.

Allele frequency attached by ClinVar (database versions not stated): gnomAD exomes 0.00001; ExAC 0.00003; gnomAD 0.00005; TOPMed 0.00006; 1000 Genomes Project 30x 0.00016; 1000 Genomes Project 0.00020.
gnomAD v4.1: 17 of 1,611,878 alleles (0.0011%); highest among the groups gnomAD compares: African/African-American, 0.023%; no homozygotes.

Submissions (2):

PreventionGenetics, part of Exact Sciences
Classification: Likely benign for F5-related condition. Last evaluated: 2026-09-01. Review status: criteria provided, single submitter. Criteria: ACMG Guidelines, 2015. Collection method: clinical testing. Allele origin: germline.
Comment: This variant is classified as likely benign based on ACMG/AMP sequence variant interpretation guidelines (Richards et al. 2015 PMID: 25741868, with internal and published modifications).

Labcorp Genetics (formerly Invitae), Labcorp
Classification: Likely benign for Congenital factor V deficiency. Last evaluated: 2022-12-16. Review status: criteria provided, single submitter. Criteria: Invitae Variant Classification Sherloc (09022015). Collection method: clinical testing. Allele origin: germline.